The following is an entry in ClinVar:

ClinVar aggregate classification (germline): Benign/Likely benign. Review status: criteria provided, multiple submitters, no conflicts (2 of 4 stars). 9 submissions from 9 submitters: Benign (3); Likely benign (3). 3 of the submissions do not count toward it. Last evaluated 2026-08-01.

Allele frequency attached by ClinVar (database versions not stated): 1000 Genomes Project 30x 0.00297; 1000 Genomes Project 0.00319; TOPMed 0.00741; ESP Exome Variant Server 0.00781; gnomAD exomes 0.00798 and 0.01054; gnomAD 0.00875 and 0.00909; ExAC 0.00957.

Submissions (9):

CeGaT Center for Human Genetics Tuebingen
Classification: Benign. Last evaluated: 2026-08-01. Review status: criteria provided, single submitter. Criteria: CeGaT Center For Human Genetics Tuebingen Variant Classification Criteria Version 2. Collection method: clinical testing. Allele origin: germline. Affected: yes. Observed: 7 variant alleles.
Comment: ECEL1: BS1, BS2

Blueprint Genetics
Classification: Likely benign. Last evaluated: 2024-11-26. Review status: criteria provided, single submitter. Criteria: ACMG Guidelines, 2015. Collection method: clinical testing. Allele origin: germline.

GeneDx
Classification: Likely benign. Last evaluated: 2020-10-19. Review status: criteria provided, single submitter. Criteria: GeneDx Variant Classification Process June 2021. Collection method: clinical testing. Allele origin: germline. Affected: yes.

Labcorp Genetics (formerly Invitae), Labcorp
Classification: Benign. Last evaluated: 2019-12-31. Review status: criteria provided, single submitter. Criteria: Invitae Variant Classification Sherloc (09022015). Collection method: clinical testing. Allele origin: germline.

PreventionGenetics, part of Exact Sciences
Classification: Benign. Last evaluated: 2016-04-07. Review status: criteria provided, single submitter. Criteria: ACMG Guidelines, 2015. Collection method: clinical testing. Allele origin: germline.

Breakthrough Genomics
Classification: Likely benign. Review status: criteria provided, single submitter. Criteria: ACMG Guidelines, 2015. Collection method: not provided. Allele origin: germline. Inheritance: Autosomal recessive inheritance. Affected: yes.

Clinical Genetics, Academic Medical Center
Classification: Benign. Review status: no assertion criteria provided. Collection method: clinical testing. Allele origin: germline. Affected: yes. Study: VKGL Data-share Consensus. Not counted in ClinVar's aggregate classification.

Genetic Services Laboratory, University of Chicago
Classification: Likely benign for AllHighlyPenetrant. Review status: no assertion criteria provided. Collection method: clinical testing. Allele origin: germline. Inheritance: Autosomal recessive inheritance. Not counted in ClinVar's aggregate classification.
Comment: Likely benign based on allele frequency in 1000 Genomes Project or ESP global frequency and its presence in a patient with a rare or unrelated disease phenotype. NOT Sanger confirmed.

Laboratory of Diagnostic Genome Analysis, Leiden University Medical Center (LUMC)
Classification: Likely benign. Review status: no assertion criteria provided. Collection method: clinical testing. Allele origin: germline. Affected: yes. Study: VKGL Data-share Consensus. Not counted in ClinVar's aggregate classification.

NM_004826.4(ECEL1):c.426C>A (p.Asp142Glu)

Gene: ECEL1 (endothelin converting enzyme like 1; minus strand). Cytogenetic location: 2q37.1.
Variant type: single nucleotide variant.
Coding change: c.426C>A on transcript NM_004826.4 (MANE Select); coding-DNA position 426, C replaced by A.
Protein change: p.Asp142Glu; replaces aspartic acid 142 with glutamic acid.
Molecular consequence: missense variant.
Genome position (GRCh38, 1-based): chr2:232,486,228, G>T on the plus strand (C>A on the coding strand, the complement: ECEL1 is on the minus strand). VCF-style: chr2-232486228-G-T. GRCh37 (hg19) VCF-style: chr2-233350938-G-T.
Other names: c.426C>A, p.Asp142Glu (NM_001290787.2); short protein forms D142E.
Identifiers: ClinVar variation 128954 (VCV000128954.39), dbSNP rs144928688, ClinGen allele CA152678.